The following is an entry in ClinVar:

NM_004629.2(FANCG):c.1556G>A (p.Ser519Asn)

Gene: FANCG (FA complementation group G; minus strand). Cytogenetic location: 9p13.3.
Variant type: single nucleotide variant.
Coding change: c.1556G>A on transcript NM_004629.2 (MANE Select); coding-DNA position 1556, G replaced by A.
Protein change: p.Ser519Asn; replaces serine 519 with asparagine.
Molecular consequence: missense variant.
Genome position (GRCh38, 1-based): chr9:35,075,007, C>T on the plus strand (G>A on the coding strand, the complement: FANCG is on the minus strand). VCF-style: chr9-35075007-C-T. GRCh37 (hg19) VCF-style: chr9-35075004-C-T.
Other names: short protein forms S519N.
Identifiers: ClinVar variation 1320296 (VCV001320296.3), dbSNP rs1209146448, ClinGen allele CA373304262.
Genomic context (GRCh38, chr9:35,075,007, plus strand): 5'-AGGAGGAAGTCCTGTAAGGCTTTGGTATCCTGGCCGCTGGCTACCCATTCCAGTCCACGA[C>T]TAATTAGGGCGGCTGCCCGAAGCTGCTGCAGTGCCGCATCTGACTTACATCCCTGCTCAC-3'
Protein context (NP_004620.1, residues 509-529): LQQLRAAALI[Ser519Asn]RGLEWVASGQ

ClinVar aggregate classification (germline): Uncertain significance (1 of 4 stars; one submission).

Conditions:
Fanconi anemia (FA). Also called: Fanconi's anemia. Identifiers: Orphanet 84, MedGen C0015625, MeSH D005199, MONDO:0019391.

Allele frequency attached by ClinVar (database versions not stated): gnomAD exomes below 0.00001.
gnomAD v4.1: 1 of 1,614,224 alleles (0.000062%); highest among the groups gnomAD compares: African/African-American, 0.0013%; no homozygotes.

Submission:

St. Jude Molecular Pathology, St. Jude Children's Research Hospital
Classification: Uncertain significance for Fanconi anemia. Last evaluated: 2021-10-28. Review status: criteria provided, single submitter. Criteria: St. Jude Assertion Criteria 2020. Collection method: clinical testing. Allele origin: germline.
Comment: The FANCG c.1556G>A (p.Ser519Asn) missense change has a maximum subpopulation frequency of 0.0062% in gnomAD v2.1.1 (PM2_supporting). In silico tools are not in agreement about the effect of this variant on protein function, but to our knowledge these predictions have not been confirmed by functional assays. To our knowledge, this variant has not been reported in individuals with Fanconi anemia. In summary, this variant meets criteria to be classified as of uncertain significance based on the ACMG/AMP criteria: PM2_supporting.